The following is an entry in ClinVar:

NM_001298.3(CNGA3):c.528C>T (p.Ala176=)

Gene: CNGA3 (cyclic nucleotide gated channel subunit alpha 3; plus strand). Cytogenetic location: 2q11.2.
Variant type: single nucleotide variant.
Coding change: c.528C>T on transcript NM_001298.3 (MANE Select); coding-DNA position 528, C replaced by T.
Protein change: p.Ala176=; no amino-acid change (alanine 176 retained).
Molecular consequence: synonymous variant.
Genome position (GRCh38, 1-based): chr2:98,389,736, C>T. VCF-style: chr2-98389736-C-T. GRCh37 (hg19) VCF-style: chr2-99006199-C-T.
Other names: c.474C>T, p.Ala158= (NM_001079878.2).
Identifiers: ClinVar variation 4981934 (VCV004981934.1).

ClinVar aggregate classification (germline): Likely benign (1 of 4 stars; one submission).

Conditions:
CNGA3-related disorder. Also called: CNGA3-related condition.

gnomAD v4.1: 2 of 1,613,562 alleles (0.00012%); highest among the groups gnomAD compares: Non-Finnish European, 0.00017%; no homozygotes.

Submission:

PreventionGenetics, part of Exact Sciences
Classification: Likely benign for CNGA3-related condition. Last evaluated: 2026-07-31. Review status: criteria provided, single submitter. Criteria: ACMG Guidelines, 2015. Collection method: clinical testing. Allele origin: germline.
Comment: This variant is classified as likely benign based on ACMG/AMP sequence variant interpretation guidelines (Richards et al. 2015 PMID: 25741868, with internal and published modifications).